The following is an entry in ClinVar:

ClinVar aggregate classification (germline): Likely benign (1 of 4 stars; one submission).

Allele frequency attached by ClinVar (database versions not stated): gnomAD 0.00001; TOPMed 0.00001.
gnomAD v4.1: 1 of 1,613,910 alleles (0.000062%); highest among the groups gnomAD compares: Non-Finnish European, 0.000085%; no homozygotes.

Submission:

Women's Health and Genetics/Laboratory Corporation of America, LabCorp
Classification: Likely benign. Last evaluated: 2021-02-22. Review status: criteria provided, single submitter. Criteria: LabCorp Variant Classification Summary - May 2015. Collection method: clinical testing. Allele origin: germline.
Comment: Variant summary: NOS1AP c.1275G>A alters a conserved nucleotide resulting in a synonymous change. 4/4 computational tools predict no significant impact on normal splicing. However, these predictions have yet to be confirmed by functional studies. The variant was absent in 250926 control chromosomes. The available data on variant occurrences in the general population are insufficient to allow any conclusion about variant significance. To our knowledge, no occurrence of c.1275G>A in individuals affected with Long QT Syndrome and no experimental evidence demonstrating its impact on protein function have been reported. No clinical diagnostic laboratories have submitted clinical-significance assessments for this variant to ClinVar after 2014. Based on the evidence outlined above, the variant was classified as likely benign.

NM_014697.3(NOS1AP):c.1275G>A (p.Leu425=)

Gene: NOS1AP (nitric oxide synthase 1 adaptor protein; plus strand). Cytogenetic location: 1q23.3.
Variant type: single nucleotide variant.
Coding change: c.1275G>A on transcript NM_014697.3 (MANE Select); coding-DNA position 1275, G replaced by A.
Protein change: p.Leu425=; no amino-acid change (leucine 425 retained).
Molecular consequence: synonymous variant.
Genome position (GRCh38, 1-based): chr1:162,367,221, G>A. VCF-style: chr1-162367221-G-A. GRCh37 (hg19) VCF-style: chr1-162337011-G-A.
Other names: c.390G>A, p.Leu130= (NM_001126060.2); c.1260G>A, p.Leu420= (NM_001164757.2).
Identifiers: ClinVar variation 997885 (VCV000997885.1), dbSNP rs879200476, ClinGen allele CA31754125.